The following is an entry in ClinVar:

ClinVar aggregate classification (germline): Uncertain significance (1 of 4 stars; one submission).

Conditions:
Aicardi-Goutieres syndrome 6 (AGS6). Identifiers: Orphanet 51, MedGen C3539013, MONDO:0014007, OMIM 615010.

Submission:

Institute of Human Genetics, University of Leipzig Medical Center
Classification: Uncertain significance for Aicardi-Goutieres syndrome 6. Last evaluated: 2026-01-15. Review status: criteria provided, single submitter. Criteria: ACMG Guidelines, 2015. Collection method: clinical testing. Allele origin: unknown. Inheritance: Autosomal recessive inheritance. Affected: yes.
Comment: Criteria applied: PM1,PM2,PP2; Identified as compund heterozygous with NM_001111.5:c.577C>G

NM_001111.5(ADAR):c.3014A>G (p.Glu1005Gly)

Gene: ADAR (adenosine deaminase RNA specific; minus strand). Cytogenetic location: 1q21.3.
Variant type: single nucleotide variant.
Coding change: c.3014A>G on transcript NM_001111.5 (MANE Select); coding-DNA position 3014, A replaced by G.
Protein change: p.Glu1005Gly; replaces glutamic acid 1005 with glycine.
Molecular consequence: missense variant.
Genome position (GRCh38, 1-based): chr1:154,588,130, T>C on the plus strand (A>G on the coding strand, the complement: ADAR is on the minus strand). VCF-style: chr1-154588130-T-C. GRCh37 (hg19) VCF-style: chr1-154560606-T-C.
Other names: c.2129A>G, p.Glu710Gly (NM_001025107.3, NM_001193495.2, NM_001365046.1 and 2 more transcripts); c.3041A>G, p.Glu1014Gly (NM_001365045.1); c.2051A>G, p.Glu684Gly (NM_001365049.1); c.2936A>G, p.Glu979Gly (NM_015840.4); c.2879A>G, p.Glu960Gly (NM_015841.4); short protein forms E1005G, E1014G, E684G, E710G, E960G, E979G.
Identifiers: ClinVar variation 4819135 (VCV004819135.1).